The following is an entry in ClinVar:

ClinVar aggregate classification (germline): Uncertain significance (1 of 4 stars; one submission).

Submission:

Labcorp Genetics (formerly Invitae), Labcorp
Classification: Uncertain significance. Last evaluated: 2022-09-23. Review status: criteria provided, single submitter. Criteria: Invitae Variant Classification Sherloc (09022015). Collection method: clinical testing. Allele origin: germline.
Comment: A copy number gain of the genomic region encompassing the full coding sequence of the MDH2 gene has been identified. The boundaries of this event are unknown as they extend beyond the assayed region for this gene and therefore may encompass additional genes. As the precise location of this event is unknown, it may be in tandem or it may be located elsewhere in the genome. This variant has not been reported in the literature in individuals affected with MDH2-related conditions. Experimental studies and prediction algorithms are not available or were not evaluated, and the functional significance of this variant is currently unknown. In summary, the available evidence is currently insufficient to determine the role of this variant in disease. Therefore, it has been classified as a Variant of Uncertain Significance.

NC_000007.13:g.(?_75583311)_(75695728_?)dup

Genes: MDH2 (malate dehydrogenase 2; plus strand), POR (cytochrome p450 oxidoreductase; plus strand), STYXL1 (serine/threonine/tyrosine interacting like 1; minus strand), TMEM120A (transmembrane protein 120A; minus strand). Cytogenetic location: 7q11.23.
Variant type: Duplication.
Identifiers: ClinVar variation 2425446 (VCV002425446.3).